The following is an entry in ClinVar:

ClinVar aggregate classification (germline): Uncertain significance (1 of 4 stars; one submission).

gnomAD v4.1: 1 of 1,613,484 alleles (0.000062%); highest among the groups gnomAD compares: Non-Finnish European, 0.000085%; no homozygotes.

Submission:

Labcorp Genetics (formerly Invitae), Labcorp
Classification: Uncertain significance. Last evaluated: 2023-04-03. Review status: criteria provided, single submitter. Criteria: Invitae Variant Classification Sherloc (09022015). Collection method: clinical testing. Allele origin: germline.
Comment: This sequence change creates a premature translational stop signal (p.Cys99*) in the CARD8 gene. It is expected to result in an absent or disrupted protein product. However, the current clinical and genetic evidence is not sufficient to establish whether loss-of-function variants in CARD8 cause disease. This variant is not present in population databases (gnomAD no frequency). This variant has not been reported in the literature in individuals affected with CARD8-related conditions. In summary, the available evidence is currently insufficient to determine the role of this variant in disease. Therefore, it has been classified as a Variant of Uncertain Significance.

NM_001184900.3(CARD8):c.447T>A (p.Cys149Ter)

Gene: CARD8 (caspase recruitment domain family member 8; minus strand). Cytogenetic location: 19q13.33.
Variant type: single nucleotide variant.
Coding change: c.447T>A on transcript NM_001184900.3 (MANE Select); coding-DNA position 447, T replaced by A.
Protein change: p.Cys149Ter; replaces cysteine 149 with a stop codon.
Molecular consequence: nonsense. On other transcripts: non-coding transcript variant (4).
Genome position (GRCh38, 1-based): chr19:48,231,755, A>T on the plus strand (T>A on the coding strand, the complement: CARD8 is on the minus strand). VCF-style: chr19-48231755-A-T. GRCh37 (hg19) VCF-style: chr19-48735012-A-T.
Other names: c.297T>A, p.Cys99Ter (NM_001184901.1, NM_001351783.2, NM_001351788.2 and 2 more transcripts); c.447T>A, p.Cys149Ter (NM_001184902.2, NM_001184903.1, NM_001351782.2); c.132T>A, p.Cys44Ter (NM_001351784.2, NM_001351787.2, NM_001351791.2 and 2 more transcripts); c.111T>A, p.Cys37Ter (NM_001351786.2); c.204T>A, p.Cys68Ter (NM_001351790.2); c.-376T>A (NM_001426741.1); short protein forms C149*, C37*, C44*, C68*, C99*.
Identifiers: ClinVar variation 2911589 (VCV002911589.3), dbSNP rs2514776176, ClinGen allele CA406645280.